The following is an entry in ClinVar:

NM_000179.3(MSH6):c.3798_3801+3delinsAAT

Gene: MSH6 (mutS homolog 6; plus strand). Cytogenetic location: 2p16.3.
Variant type: Indel.
Coding change: c.3798_3801+3delinsAAT on transcript NM_000179.3 (MANE Select); coding-DNA position 3798 through 3 bases into the intron after coding-DNA position 3801, TATGGTA replaced by AAT.
Molecular consequence: splice donor variant.
Genome position (GRCh38, 1-based): chr2:47,806,355-47,806,361, TATGGTA replaced by AAT. VCF-style: chr2-47806355-TATGGTA-AAT. GRCh37 (hg19) VCF-style: chr2-48033494-TATGGTA-AAT.
Other names: c.3798_3801+3delinsAAT (NM_001406809.1, NM_001406796.1, NM_001406808.1 and 1 more transcripts); c.2892_2895+3delinsAAT (NM_001406811.1, NM_001406814.1, NM_001281493.2 and 6 more transcripts); c.3501_3504+3delinsAAT (NM_001406805.1, NM_001406797.1, NM_001406801.1 and 10 more transcripts); c.3894_3897+3delinsAAT (NM_001406795.1, NM_001406802.1); c.3804_3807+3delinsAAT (NM_001406813.1); c.3273_3276+3delinsAAT (NM_001406807.1, NM_001406799.1, NM_001406806.1); c.3624_3627+3delinsAAT (NM_001406798.1); c.2934_2937+3delinsAAT (NM_001406803.1); and 7 more.
Identifiers: ClinVar variation 3398881 (VCV003398881.1).

ClinVar aggregate classification (germline): Likely pathogenic (1 of 4 stars; one submission).

Conditions:
Hereditary cancer-predisposing syndrome. Also called: Hereditary Cancer Syndrome; Tumor predisposition; Hereditary neoplastic syndrome; Neoplastic Syndromes, Hereditary. Identifiers: Orphanet 140162, MedGen C0027672, MeSH D009386, MONDO:0015356.

Submission:

Ambry Genetics
Classification: Likely pathogenic for Hereditary cancer-predisposing syndrome. Last evaluated: 2024-07-22. Review status: criteria provided, single submitter. Criteria: Ambry Variant Classification Scheme 2023. Collection method: clinical testing. Allele origin: germline.
Comment: The c.3798_3801+3delTATGGTAinsAAT variant results from a deletion of TATGGTA and the insertion of AAT between positions c.3798 and c.3801+3 and involves the canonical splice donor site after coding exon 8 of the MSH6 gene. This variant is considered to be rare based on population cohorts in the Genome Aggregation Database (gnomAD). The canonical splice donor site is highly conserved in available vertebrate species. In silico splice site analysis predicts that this alteration will weaken the native splice donor site; however, direct evidence is insufficient at this time (Ambry internal data). Alterations that disrupt the canonical splice site are expected to cause aberrant splicing, resulting in an abnormal protein or a transcript that is subject to nonsense-mediated mRNA decay. As such, this alteration is classified as likely pathogenic.